The following is an entry in ClinVar:

NM_173076.3(ABCA12):c.3276A>G (p.Lys1092=)

Gene: ABCA12 (ATP binding cassette subfamily A member 12; minus strand). Cytogenetic location: 2q35.
Variant type: single nucleotide variant.
Coding change: c.3276A>G on transcript NM_173076.3 (MANE Select); coding-DNA position 3276, A replaced by G.
Protein change: p.Lys1092=; no amino-acid change (lysine 1092 retained).
Molecular consequence: synonymous variant. On other transcripts: non-coding transcript variant (1).
Genome position (GRCh38, 1-based): chr2:214,997,713, T>C on the plus strand (A>G on the coding strand, the complement: ABCA12 is on the minus strand). VCF-style: chr2-214997713-T-C. GRCh37 (hg19) VCF-style: chr2-215862437-T-C.
Other names: c.2322A>G, p.Lys774= (NM_015657.4).
Identifiers: ClinVar variation 334251 (VCV000334251.11), dbSNP rs150510675, ClinGen allele CA2091768.
Genomic context (GRCh38, chr2:214,997,713, plus strand): 5'-TGAACAGGACTTATTCATAACAAGAAGTGATTTTCAACATACCTCATGAAGCCGGAGGTC[T>C]TTCTCATAGACAAGCTTTTTTACAAAGGCAGCTATAAATACAACCCAGGCAACCATAAGC-3'
Protein context (NP_775099.2, residues 1082-1102): AAFVKKLVYE[Lys1092=]DLRLHEYMKM

ClinVar aggregate classification (germline): Conflicting classifications of pathogenicity. Review status: criteria provided, conflicting classifications (1 of 4 stars). 3 submissions from 3 submitters: Uncertain significance (1); Benign (1). 1 of the submissions does not count toward it. Last evaluated 2026-01-18.

Conditions:
ABCA12-related disorder. Also called: ABCA12-related condition.
Congenital ichthyosis of skin. Identifiers: MedGen C0020758.

Allele frequency attached by ClinVar (database versions not stated): gnomAD exomes 0.00029 and 0.00047; TOPMed 0.00029; ExAC 0.00033; gnomAD 0.00033; ESP Exome Variant Server 0.00038.
gnomAD v4.1: 727 of 1,611,312 alleles (0.045%); highest among the groups gnomAD compares: Non-Finnish European, 0.057%; 1 homozygote.

Submissions (3):

Labcorp Genetics (formerly Invitae), Labcorp
Classification: Benign. Last evaluated: 2026-01-18. Review status: criteria provided, single submitter. Criteria: Invitae Variant Classification Sherloc (09022015). Collection method: clinical testing. Allele origin: germline.

Illumina Laboratory Services, Illumina
Classification: Uncertain significance for Congenital ichthyosis of skin. Last evaluated: 2018-01-12. Review status: criteria provided, single submitter. Criteria: ICSL Variant Classification Criteria 13 December 2019. Collection method: clinical testing. Allele origin: germline.

PreventionGenetics, part of Exact Sciences
Classification: Likely benign for ABCA12-related condition. Last evaluated: 2021-08-10. Review status: no assertion criteria provided. Collection method: clinical testing. Allele origin: germline. Not counted in ClinVar's aggregate classification.
Comment: This variant is classified as likely benign based on ACMG/AMP sequence variant interpretation guidelines (Richards et al. 2015 PMID: 25741868, with internal and published modifications).